The following is an entry in ClinVar:

NM_001211.6(BUB1B):c.464del (p.Tyr155fs)

Gene: BUB1B (BUB1 mitotic checkpoint serine/threonine kinase B; plus strand). Cytogenetic location: 15q15.1.
Variant type: Deletion.
Coding change: c.464del on transcript NM_001211.6 (MANE Select); coding-DNA position 464, one base deleted (A; older notation c.464delA).
Protein change: p.Tyr155fs; shifts the reading frame from tyrosine 155.
Molecular consequence: frameshift variant.
Genome position (GRCh38, 1-based): chr15:40,176,556, A deleted. VCF-style (leftmost placement, unchanged base first): chr15-40176555-TA-T. GRCh37 (hg19) VCF-style: chr15-40468756-TA-T.
Other names: short protein forms Y155fs.
Identifiers: ClinVar variation 3723848 (VCV003723848.2).

ClinVar aggregate classification (germline): Pathogenic (1 of 4 stars; one submission).

Conditions:
Mosaic variegated aneuploidy syndrome 1 (MVA1). Also called: Warburton-Anyane-Yeboa syndrome. Identifiers: Orphanet 1052, MedGen C1850343, MONDO:0009759, OMIM 257300.

Submission:

Labcorp Genetics (formerly Invitae), Labcorp
Classification: Pathogenic for Mosaic variegated aneuploidy syndrome 1. Last evaluated: 2024-10-27. Review status: criteria provided, single submitter. Criteria: Invitae Variant Classification Sherloc (09022015). Collection method: clinical testing. Allele origin: germline.
Comment: This sequence change creates a premature translational stop signal (p.Tyr155Leufs*32) in the BUB1B gene. It is expected to result in an absent or disrupted protein product. Loss-of-function variants in BUB1B are known to be pathogenic (PMID: 15475955, 21190457). This variant is not present in population databases (gnomAD no frequency). This variant has not been reported in the literature in individuals affected with BUB1B-related conditions. For these reasons, this variant has been classified as Pathogenic.

Literature cited by the submitters: PubMed 15475955; PubMed 21190457.